The following is an entry in ClinVar:

ClinVar aggregate classification (germline): Likely benign. Review status: criteria provided, multiple submitters, no conflicts (2 of 4 stars). 2 submissions from 2 submitters: Likely benign (2). Last evaluated 2024-05-14.

Conditions:
Malignant hyperthermia, susceptibility to, 5 (MHS5). Also called: CACNA1S-Related Malignant Hyperthermia Susceptibility. Identifiers: Orphanet 423, MedGen C1866077, MONDO:0011163, OMIM 601887.

gnomAD v4.1: 2 of 1,613,450 alleles (0.00012%); highest among the groups gnomAD compares: Admixed American, 0.0017%; no homozygotes.

Submissions (2):

All of Us Research Program, National Institutes of Health
Classification: Likely benign for Malignant hyperthermia, susceptibility to, 5. Last evaluated: 2024-05-14. Review status: criteria provided, single submitter. Criteria: ACMG Guidelines, 2015. Collection method: clinical testing. Allele origin: germline. Inheritance: Autosomal dominant inheritance. Observed: 1 variant allele, 1 heterozygote.
Comment: This study involves interpretation of variants in research participants for the purpose of population health screening. Participant phenotype was not available at the time of variant classification. Additional details can be found in publication PMID: 35346344, PMCID: PMC8962531

Color Diagnostics, LLC DBA Color Health
Classification: Likely benign for Malignant hyperthermia, susceptibility to, 5. Last evaluated: 2024-04-24. Review status: criteria provided, single submitter. Criteria: ACMG Guidelines, 2015. Collection method: clinical testing. Allele origin: germline.

NM_000069.3(CACNA1S):c.1047C>A (p.Thr349=)

Gene: CACNA1S (calcium voltage-gated channel subunit alpha1 S; minus strand). Cytogenetic location: 1q32.1.
Variant type: single nucleotide variant.
Coding change: c.1047C>A on transcript NM_000069.3 (MANE Select); coding-DNA position 1047, C replaced by A.
Protein change: p.Thr349=; no amino-acid change (threonine 349 retained).
Molecular consequence: synonymous variant.
Genome position (GRCh38, 1-based): chr1:201,085,539, G>T on the plus strand (C>A on the coding strand, the complement: CACNA1S is on the minus strand). VCF-style: chr1-201085539-G-T. GRCh37 (hg19) VCF-style: chr1-201054667-G-T.
Identifiers: ClinVar variation 3386394 (VCV003386394.2).